The following is an entry in ClinVar:

ClinVar aggregate classification (germline): Uncertain significance (1 of 4 stars; one submission).

Conditions:
Marfan syndrome (MFS). Also called: MARFAN SYNDROME, TYPE I; Marfan syndrome type 1; Marfan's syndrome; Marfan syndrome, classic; FBN1-Related Marfan Syndrome. Identifiers: Orphanet 284963, Orphanet 558, MedGen C0024796, MONDO:0007947, OMIM 154700.
Familial thoracic aortic aneurysm and aortic dissection (TAAD). Also called: Thoracic aortic aneurysms and dissections. Identifiers: Orphanet 91387, MedGen C4707243, MONDO:0019625.

gnomAD v4.1: 1 of 1,613,266 alleles (0.000062%); highest among the groups gnomAD compares: Non-Finnish European, 0.000085%; no homozygotes.

Submission:

Labcorp Genetics (formerly Invitae), Labcorp
Classification: Uncertain significance for Marfan syndrome; Familial thoracic aortic aneurysm and aortic dissection. Last evaluated: 2023-12-20. Review status: criteria provided, single submitter. Criteria: Invitae Variant Classification Sherloc (09022015). Collection method: clinical testing. Allele origin: germline.
Comment: This sequence change replaces isoleucine, which is neutral and non-polar, with valine, which is neutral and non-polar, at codon 2681 of the FBN1 protein (p.Ile2681Val). This variant is not present in population databases (gnomAD no frequency). This variant has not been reported in the literature in individuals affected with FBN1-related conditions. Advanced modeling of protein sequence and biophysical properties (such as structural, functional, and spatial information, amino acid conservation, physicochemical variation, residue mobility, and thermodynamic stability) performed at Invitae indicates that this missense variant is not expected to disrupt FBN1 protein function with a negative predictive value of 95%. This variant disrupts the p.Ile2681 amino acid residue in FBN1. Other variant(s) that disrupt this residue have been determined to be pathogenic (Invitae). This suggests that this residue is clinically significant, and that variants that disrupt this residue are likely to be disease-causing. In summary, the available evidence is currently insufficient to determine the role of this variant in disease. Therefore, it has been classified as a Variant of Uncertain Significance.

NM_000138.5(FBN1):c.8041A>G (p.Ile2681Val)

Gene: FBN1 (fibrillin 1; minus strand). Cytogenetic location: 15q21.1.
Variant type: single nucleotide variant.
Coding change: c.8041A>G on transcript NM_000138.5 (MANE Select); coding-DNA position 8041, A replaced by G.
Protein change: p.Ile2681Val; replaces isoleucine 2681 with valine.
Molecular consequence: missense variant.
Genome position (GRCh38, 1-based): chr15:48,415,546, T>C on the plus strand (A>G on the coding strand, the complement: FBN1 is on the minus strand). VCF-style: chr15-48415546-T-C. GRCh37 (hg19) VCF-style: chr15-48707743-T-C.
Other names: c.8041A>G, p.Ile2681Val (NM_001406716.1); short protein forms I2681V.
Identifiers: ClinVar variation 2930420 (VCV002930420.3), dbSNP rs2505382444, ClinGen allele CA392322511.
Genomic context (GRCh38, chr15:48,415,546, plus strand): 5'-TATTACGAATGAAAGAATCTCCAACCATGACCAGGAAGAGCACTGCTTACCCTTGGCCTA[T>C]GCGGAAGTAACCAGGTGGACAGCCACACAGGTAACCGCCCTCGGTATTGGAACAGCCATA-3'
Protein context (NP_000129.3, residues 2671-2691): LCGCPPGYFR[Ile2681Val]GQGHCVSGMG